The following is an entry in ClinVar:

NM_000202.8(IDS):c.683dup (p.His229fs)

Genes: IDS (iduronate 2-sulfatase; minus strand), LOC106050102 (IDS recombination region; plus strand). Cytogenetic location: Xq28.
Variant type: Duplication.
Coding change: c.683dup on transcript NM_000202.8 (MANE Select); coding-DNA position 683, one base duplicated (C; older notation c.683dupC).
Protein change: p.His229fs; shifts the reading frame from histidine 229.
Molecular consequence: frameshift variant. On other transcripts: non-coding transcript variant (1).
Genome position (GRCh38, 1-based): chrX:149,498,132, G duplicated on the plus strand (C on the coding strand, the reverse complement: IDS is on the minus strand); the first of 2 consecutive G bases (chrX:149,498,132-149,498,133); duplicating either gives the same sequence. VCF-style (leftmost placement, unchanged base first): chrX-149498131-T-TG. GRCh37 (hg19) VCF-style: chrX-148579662-T-TG.
Other names: c.413dup, p.His139fs (NM_001166550.4); c.683dup, p.His229fs (NM_006123.5); short protein forms H139fs, H229fs.
Identifiers: ClinVar variation 3255803 (VCV003255803.2).

ClinVar aggregate classification (germline): Pathogenic (1 of 4 stars; one submission).

Conditions:
Mucopolysaccharidosis, MPS-II (MPS2). Also called: Hunter Syndrome; IDURONATE 2-SULFATASE DEFICIENCY; Mucopolysaccharidosis Type II; Mucopolysaccharidosis type 2; Attenuated MPS (subtype; formerly known as mild MPS II); Severe MPS II. Identifiers: Orphanet 580, Orphanet 79388, MedGen C0026705, MONDO:0010674, OMIM 309900.

Submission:

Laboratory of Diagnosis and Therapy of Lysosomal Disorders, University of Padova
Classification: Pathogenic for Mucopolysaccharidosis, MPS-II. Last evaluated: 2024-06-07. Review status: criteria provided, single submitter. Criteria: ACMG Guidelines, 2015. Collection method: literature only. Allele origin: germline. Affected: yes. Observed: 2 variant alleles.
Comment: Null variant (PVS1_VeryStrong), De novo (PS2_Moderate), Absent from controls (or at low frequency) in gnomAD database (PM2_Moderate), Patient’s phenotype or family history highly specific for the disease (PP4_Moderate)

Classification method: ACMG Guidelines [PMID:25741868] with modifications

Literature cited by the submitters: PubMed 12655569; PubMed 21291454.